The following is an entry in ClinVar:

ClinVar aggregate classification (germline): Benign/Likely benign. Review status: criteria provided, multiple submitters, no conflicts (2 of 4 stars). 3 submissions from 3 submitters: Benign (1); Likely benign (1). 1 of the submissions does not count toward it. Last evaluated 2026-01-26.

Conditions:
Methylmalonic aciduria due to complete methylmalonyl-CoA mutase deficiency.

Submissions (3):

Labcorp Genetics (formerly Invitae), Labcorp
Classification: Benign. Last evaluated: 2026-01-26. Review status: criteria provided, single submitter. Criteria: Invitae Variant Classification Sherloc (09022015). Collection method: clinical testing. Allele origin: germline.

Mayo Clinic Laboratories, Mayo Clinic
Classification: Likely benign. Last evaluated: 2024-10-15. Review status: criteria provided, single submitter. Criteria: ACMG Guidelines, 2015. Collection method: clinical testing. Allele origin: germline. Observed: 1 variant allele.
Comment: BA1, BP4, BP7

Natera, Inc.
Classification: Likely benign for Methylmalonic aciduria due to complete methylmalonyl-CoA mutase deficiency. Last evaluated: 2019-10-21. Review status: no assertion criteria provided. Collection method: clinical testing. Allele origin: germline. Not counted in ClinVar's aggregate classification.

NM_000255.4(MMUT):c.754-17dup

Gene: MMUT (methylmalonyl-CoA mutase; minus strand). Cytogenetic location: 6p12.3.
Variant type: Duplication.
Coding change: c.754-17dup on transcript NM_000255.4 (MANE Select); 17 bases into the intron before coding-DNA position 754, one base duplicated (T; older notation c.754-17dupT).
Molecular consequence: intron variant.
Genome position (GRCh38, 1-based): chr6:49,456,244, A duplicated on the plus strand (T on the coding strand, the reverse complement: MMUT is on the minus strand); the first of 11 consecutive A bases (chr6:49,456,244-49,456,254); duplicating any one gives the same sequence. VCF-style (leftmost placement, unchanged base first): chr6-49456243-T-TA. GRCh37 (hg19) VCF-style: chr6-49423956-T-TA.
Other names: p.?; c.754-7dup (NM_000255.4).
Identifiers: ClinVar variation 1166289 (VCV001166289.11), dbSNP rs750770186, ClinGen allele CA3847039.